The following is an entry in ClinVar:

ClinVar aggregate classification (germline): Uncertain significance (1 of 4 stars; one submission).

Conditions:
Developmental and epileptic encephalopathy 94 (DEE94). Also called: CHD2-Related Neurodevelopmental Disorders; Epileptic encephalopathy, childhood-onset. Identifiers: Orphanet 1942, Orphanet 2382, MedGen C3809278, MONDO:0014150, OMIM 615369.

Submission:

Labcorp Genetics (formerly Invitae), Labcorp
Classification: Uncertain significance for Developmental and epileptic encephalopathy 94. Last evaluated: 2024-02-17. Review status: criteria provided, single submitter. Criteria: Invitae Variant Classification Sherloc (09022015). Collection method: clinical testing. Allele origin: germline.
Comment: This sequence change replaces serine, which is neutral and polar, with arginine, which is basic and polar, at codon 68 of the CHD2 protein (p.Ser68Arg). This variant is not present in population databases (gnomAD no frequency). This variant has not been reported in the literature in individuals affected with CHD2-related conditions. ClinVar contains an entry for this variant (Variation ID: 1002586). Advanced modeling of protein sequence and biophysical properties (such as structural, functional, and spatial information, amino acid conservation, physicochemical variation, residue mobility, and thermodynamic stability) performed at Invitae indicates that this missense variant is not expected to disrupt CHD2 protein function with a negative predictive value of 95%. In summary, the available evidence is currently insufficient to determine the role of this variant in disease. Therefore, it has been classified as a Variant of Uncertain Significance.

NM_001271.4(CHD2):c.204C>G (p.Ser68Arg)

Gene: CHD2 (chromodomain helicase DNA binding protein 2; plus strand). Cytogenetic location: 15q26.1.
Variant type: single nucleotide variant.
Coding change: c.204C>G on transcript NM_001271.4 (MANE Select); coding-DNA position 204, C replaced by G.
Protein change: p.Ser68Arg; replaces serine 68 with arginine.
Molecular consequence: missense variant.
Genome position (GRCh38, 1-based): chr15:92,924,462, C>G. VCF-style: chr15-92924462-C-G. GRCh37 (hg19) VCF-style: chr15-93467692-C-G.
Other names: c.204C>G, p.Ser68Arg (NM_001042572.3); short protein forms S68R.
Identifiers: ClinVar variation 1002586 (VCV001002586.9), dbSNP rs150919373, ClinGen allele CA393896308.